The following is an entry in ClinVar:

ClinVar aggregate classification (germline): Likely benign. Review status: criteria provided, single submitter (1 of 4 stars). 2 submissions from 2 submitters: Likely benign (1). 1 of the submissions does not count toward it. Last evaluated 2025-12-15.

Conditions:
MKKS-related disorder. Also called: MKKS-related condition; MKKS-related disorders.
Bardet-Biedl syndrome (BBS). Identifiers: Orphanet 110, MedGen C0752166, MONDO:0015229.
McKusick-Kaufman syndrome (MKKS). Also called: HYDROMETROCOLPOS SYNDROME; HYDROMETROCOLPOS, POSTAXIAL POLYDACTYLY, AND CONGENITAL HEART MALFORMATION. Identifiers: Orphanet 2473, MedGen C0948368, MONDO:0009367, OMIM 236700.

Allele frequency attached by ClinVar (database versions not stated): gnomAD 0.00001; gnomAD exomes 0.00002 and 0.00007; TOPMed 0.00002; ExAC 0.00009.
gnomAD v4.1: 25 of 1,614,106 alleles (0.0015%); highest among the groups gnomAD compares: Admixed American, 0.038%; no homozygotes.

Submissions (2):

Labcorp Genetics (formerly Invitae), Labcorp
Classification: Likely benign for McKusick-Kaufman syndrome; Bardet-Biedl syndrome. Last evaluated: 2025-12-15. Review status: criteria provided, single submitter. Criteria: Invitae Variant Classification Sherloc (09022015). Collection method: clinical testing. Allele origin: germline.

PreventionGenetics, part of Exact Sciences
Classification: Likely benign for MKKS-related condition. Last evaluated: 2021-10-28. Review status: no assertion criteria provided. Collection method: clinical testing. Allele origin: germline. Not counted in ClinVar's aggregate classification.
Comment: This variant is classified as likely benign based on ACMG/AMP sequence variant interpretation guidelines (Richards et al. 2015 PMID: 25741868, with internal and published modifications).

NM_170784.3(MKKS):c.1422T>C (p.Tyr474=)

Gene: MKKS (MKKS centrosomal shuttling protein; minus strand). Cytogenetic location: 20p12.2.
Variant type: single nucleotide variant.
Coding change: c.1422T>C on transcript NM_170784.3 (MANE Select); coding-DNA position 1422, T replaced by C.
Protein change: p.Tyr474=; no amino-acid change (tyrosine 474 retained).
Molecular consequence: synonymous variant. On other transcripts: non-coding transcript variant (1).
Genome position (GRCh38, 1-based): chr20:10,405,538, A>G on the plus strand (T>C on the coding strand, the complement: MKKS is on the minus strand). VCF-style: chr20-10405538-A-G. GRCh37 (hg19) VCF-style: chr20-10386186-A-G.
Other names: c.1422T>C, p.Tyr474= (NM_018848.3).
Identifiers: ClinVar variation 1110789 (VCV001110789.10), dbSNP rs777980292, ClinGen allele CA9763478.
Genomic context (GRCh38, chr20:10,405,538, plus strand): 5'-AAGCAAATCTGGCCAGTTAGCAACACAGGGAGAATCTGCCTGAACTGACCAAAGGTGTCC[A>G]TACTTCATGTCAGTGAGAATTTCACCTCCATCATGTTCTAAAGAGCCAACAACAGATTCT-3'
Protein context (NP_740754.1, residues 464-484): DGGEILTDMK[Tyr474=]GHLWSVQADS